The following is an entry in ClinVar:

NM_001270508.2(TNFAIP3):c.1102C>T (p.His368Tyr)

Gene: TNFAIP3 (TNF alpha induced protein 3; plus strand). Cytogenetic location: 6q23.3.
Variant type: single nucleotide variant.
Coding change: c.1102C>T on transcript NM_001270508.2 (MANE Select); coding-DNA position 1102, C replaced by T.
Protein change: p.His368Tyr; replaces histidine 368 with tyrosine.
Molecular consequence: missense variant.
Genome position (GRCh38, 1-based): chr6:137,878,547, C>T. VCF-style: chr6-137878547-C-T. GRCh37 (hg19) VCF-style: chr6-138199684-C-T.
Other names: c.1102C>T, p.His368Tyr (NM_001270507.2, NM_006290.4); short protein forms H368Y.
Identifiers: ClinVar variation 2671715 (VCV002671715.1), dbSNP rs754444866, ClinGen allele CA365788587.
Genomic context (GRCh38, chr6:137,878,547, plus strand): 5'-CTTGTTCAGCATGAGTACAAGAAATGGCAGGAAAACAGCGAGCAGGGGAGGAGAGAGGGG[C>T]ACGCCCAGAATCCCATGGAACCTTCCGTGCCCCAGCTTTCTCTCATGGATGTAAAATGTG-3'
Protein context (NP_001257437.1, residues 358-378): ENSEQGRREG[His368Tyr]AQNPMEPSVP

ClinVar aggregate classification (germline): Uncertain significance (1 of 4 stars; one submission).

Conditions:
Autoinflammatory syndrome, familial, Behcet-like 1 (AIFBL1). Also called: Haploinsufficiency of A20. Identifiers: Orphanet 674762, MedGen C4225218, MONDO:0800045, OMIM 616744.

Submission:

Neuberg Centre For Genomic Medicine, NCGM
Classification: Uncertain significance for Autoinflammatory syndrome, familial, Behcet-like 1. Last evaluated: 2023-02-14. Review status: criteria provided, single submitter. Criteria: ACMG Guidelines, 2015. Collection method: clinical testing. Allele origin: germline. Inheritance: Autosomal dominant inheritance. Affected: yes.
Comment: The missense c.1102C>T (p.His368Tyr) variant in TNFAIP3 gene has not been reported previously as a pathogenic variant nor as a benign variant, to our knowledge. The p.His368Tyr variant is novel (not in any individuals) in both gnomAD Exomes and 1000 Genomes databases. This variant has not been reported to the ClinVar database. The amino acid change p.His368Tyr in TNFAIP3 is predicted as conserved by GERP++ and PhyloP across 100 vertebrates. The amino acid His at position 368 is changed to a Tyr changing protein sequence and it might alter its composition and physico-chemical properties. For these reasons, this variant has been classified as a Variant of Uncertain Significance (VUS).